The following is an entry in ClinVar:

NM_020937.4(FANCM):c.3041G>T (p.Gly1014Val)

Gene: FANCM (FA complementation group M; plus strand). Cytogenetic location: 14q21.2.
Variant type: single nucleotide variant.
Coding change: c.3041G>T on transcript NM_020937.4 (MANE Select); coding-DNA position 3041, G replaced by T.
Protein change: p.Gly1014Val; replaces glycine 1014 with valine.
Molecular consequence: missense variant.
Genome position (GRCh38, 1-based): chr14:45,175,795, G>T. VCF-style: chr14-45175795-G-T. GRCh37 (hg19) VCF-style: chr14-45644998-G-T.
Other names: c.2963G>T, p.Gly988Val (NM_001308133.2); short protein forms G1014V, G988V.
Identifiers: ClinVar variation 1915239 (VCV001915239.5), dbSNP rs2139245566, ClinGen allele CA389599739.

ClinVar aggregate classification (germline): Uncertain significance (1 of 4 stars; one submission).

Conditions:
Fanconi anemia (FA). Also called: Fanconi's anemia. Identifiers: Orphanet 84, MedGen C0015625, MeSH D005199, MONDO:0019391.

Submission:

Labcorp Genetics (formerly Invitae), Labcorp
Classification: Uncertain significance for Fanconi anemia. Last evaluated: 2022-05-08. Review status: criteria provided, single submitter. Criteria: Invitae Variant Classification Sherloc (09022015). Collection method: clinical testing. Allele origin: germline.
Comment: In summary, the available evidence is currently insufficient to determine the role of this variant in disease. Therefore, it has been classified as a Variant of Uncertain Significance. Algorithms developed to predict the effect of missense changes on protein structure and function (SIFT, PolyPhen-2, Align-GVGD) all suggest that this variant is likely to be tolerated. This variant has not been reported in the literature in individuals affected with FANCM-related conditions. This variant is not present in population databases (gnomAD no frequency). This sequence change replaces glycine, which is neutral and non-polar, with valine, which is neutral and non-polar, at codon 1014 of the FANCM protein (p.Gly1014Val).